The following is an entry in ClinVar:

NM_001367561.1(DOCK7):c.3471+12G>A

Gene: DOCK7 (dedicator of cytokinesis 7; minus strand). Cytogenetic location: 1p31.3.
Variant type: single nucleotide variant.
Coding change: c.3471+12G>A on transcript NM_001367561.1 (MANE Select); 12 bases into the intron after coding-DNA position 3471, G replaced by A.
Molecular consequence: intron variant.
Genome position (GRCh38, 1-based): chr1:62,537,879, C>T on the plus strand (G>A on the coding strand, the complement: DOCK7 is on the minus strand). VCF-style: chr1-62537879-C-T. GRCh37 (hg19) VCF-style: chr1-63003550-C-T.
Other names: c.3378+12G>A (NM_001272001.2, NM_001272000.2, NM_033407.4); c.3471+12G>A (NM_001271999.2, NM_001330614.2).
Identifiers: ClinVar variation 1722466 (VCV001722466.1), dbSNP rs757655530, ClinGen allele CA886003.

ClinVar aggregate classification (germline): Uncertain significance (1 of 4 stars; one submission).

Allele frequency attached by ClinVar (database versions not stated): gnomAD 0.00001; ExAC 0.00002.
gnomAD v4.1: 6 of 1,608,226 alleles (0.00037%); highest among the groups gnomAD compares: South Asian, 0.0044%; no homozygotes.

Submission:

Women's Health and Genetics/Laboratory Corporation of America, LabCorp
Classification: Uncertain significance. Last evaluated: 2022-09-26. Review status: criteria provided, single submitter. Criteria: LabCorp Variant Classification Summary - May 2015. Collection method: clinical testing. Allele origin: germline.
Comment: Variant summary: DOCK7 c.3378+12G>A alters a non-conserved nucleotide located close to a canonical splice site and therefore could affect mRNA splicing, leading to a significantly altered protein sequence. 4/4 computational tools predict no significant impact on normal splicing. However, these predictions have yet to be confirmed by functional studies. The variant allele was found at a frequency of 1.2e-05 in 248524 control chromosomes. The available data on variant occurrences in the general population are insufficient to allow any conclusion about variant significance. To our knowledge, no occurrence of c.3378+12G>A in individuals affected with Developmental And Epileptic Encephalopathy, 23 and no experimental evidence demonstrating its impact on protein function have been reported. No clinical diagnostic laboratories have submitted clinical-significance assessments for this variant to ClinVar after 2014. Based on the evidence outlined above, the variant was classified as uncertain significance.